The following is an entry in ClinVar:

ClinVar aggregate classification (germline): Uncertain significance (1 of 4 stars; one submission).

Conditions:
Amyotrophic lateral sclerosis type 15. Also called: AMYOTROPHIC LATERAL SCLEROSIS 15 WITH FRONTOTEMPORAL DEMENTIA. Identifiers: Orphanet 803, MedGen C3275459, MONDO:0010459, OMIM 300857.

Allele frequency attached by ClinVar (database versions not stated): ExAC 0.00001.

Submission:

Labcorp Genetics (formerly Invitae), Labcorp
Classification: Uncertain significance for Amyotrophic lateral sclerosis type 15. Last evaluated: 2021-04-18. Review status: criteria provided, single submitter. Criteria: Invitae Variant Classification Sherloc (09022015). Collection method: clinical testing. Allele origin: germline.
Comment: In summary, the available evidence is currently insufficient to determine the role of this variant in disease. Therefore, it has been classified as a Variant of Uncertain Significance. Algorithms developed to predict the effect of missense changes on protein structure and function are either unavailable or do not agree on the potential impact of this missense change (SIFT: "Not Available"; PolyPhen-2: "Possibly Damaging"; Align-GVGD: "Not Available"). This variant has been observed in individual(s) with clinical features of amyotrophic lateral sclerosis (PMID: 22892309). This variant is present in population databases (rs749463696, ExAC 0.002%). This sequence change replaces alanine with threonine at codon 283 of the UBQLN2 protein (p.Ala283Thr). The alanine residue is highly conserved and there is a small physicochemical difference between alanine and threonine.

Literature cited by the submitters: PubMed 22892309.

NM_013444.4(UBQLN2):c.847G>A (p.Ala283Thr)

Gene: UBQLN2 (ubiquilin 2; plus strand). Cytogenetic location: Xp11.21.
Variant type: single nucleotide variant.
Coding change: c.847G>A on transcript NM_013444.4 (MANE Select); coding-DNA position 847, G replaced by A.
Protein change: p.Ala283Thr; replaces alanine 283 with threonine.
Molecular consequence: missense variant.
Genome position (GRCh38, 1-based): chrX:56,564,720, G>A. VCF-style: chrX-56564720-G-A. GRCh37 (hg19) VCF-style: chrX-56591153-G-A.
Other names: short protein forms A283T.
Identifiers: ClinVar variation 1482168 (VCV001482168.6), dbSNP rs749463696, ClinGen allele CA10430095.
Genomic context (GRCh38, chrX:56,564,720, plus strand): 5'-GGTGGCTATAATGCTTTACGGCGCATGTACACTGACATTCAAGAGCCGATGCTGAATGCC[G>A]CACAAGAGCAGTTTGGGGGTAATCCATTTGCCTCCGTGGGGAGTAGTTCCTCCTCTGGGG-3'
Protein context (NP_038472.2, residues 273-293): TDIQEPMLNA[Ala283Thr]QEQFGGNPFA